The following is an entry in ClinVar:

NM_001035.3(RYR2):c.4312C>T (p.Pro1438Ser)

Gene: RYR2 (ryanodine receptor 2; plus strand). Cytogenetic location: 1q43.
Variant type: single nucleotide variant.
Coding change: c.4312C>T on transcript NM_001035.3 (MANE Select); coding-DNA position 4312, C replaced by T.
Protein change: p.Pro1438Ser; replaces proline 1438 with serine.
Molecular consequence: missense variant.
Genome position (GRCh38, 1-based): chr1:237,593,512, C>T. VCF-style: chr1-237593512-C-T. GRCh37 (hg19) VCF-style: chr1-237756812-C-T.
Other names: short protein forms P1438S.
Identifiers: ClinVar variation 3071900 (VCV003071900.1), dbSNP rs1451008891, ClinGen allele CA345399656.

ClinVar aggregate classification (germline): Uncertain significance (1 of 4 stars; one submission).

Conditions:
Catecholaminergic polymorphic ventricular tachycardia (CVPT). Also called: Catecholamine-induced polymorphic ventricular tachycardia. Identifiers: Orphanet 3286, MedGen C5574922, MONDO:0017990.

Allele frequency attached by ClinVar (database versions not stated): TOPMed below 0.00001.

Submission:

All of Us Research Program, National Institutes of Health
Classification: Uncertain significance for Catecholaminergic polymorphic ventricular tachycardia. Last evaluated: 2023-06-26. Review status: criteria provided, single submitter. Criteria: ACMG Guidelines, 2015. Collection method: clinical testing. Allele origin: germline. Inheritance: Autosomal dominant inheritance. Observed: 1 variant allele, 1 heterozygote.
Comment: This missense variant replaces proline with serine at codon 1438 of the RYR2 protein. Computational prediction suggests that this variant may not impact protein structure and function (internally defined REVEL score threshold <= 0.5, PMID: 27666373). To our knowledge, functional studies have not been reported for this variant. This variant has not been reported in individuals affected with RYR2-related disorders in the literature. This variant has not been identified in the general population by the Genome Aggregation Database (gnomAD). The available evidence is insufficient to determine the role of this variant in disease conclusively. Therefore, this variant is classified as a Variant of Uncertain Significance.

This study involves interpretation of variants in research participants for the purpose of population health screening. Participant phenotype was not available at the time of variant classification. Additional details can be found in publication PMID: 35346344, PMCID: PMC8962531